The following is an entry in ClinVar:

ClinVar aggregate classification (germline): Uncertain significance (1 of 4 stars; one submission).

Conditions:
Glycogen storage disease, type II (IOPD). Also called: Pompe Disease; CARDIOMEGALIA GLYCOGENICA DIFFUSA; GLYCOGENOSIS, GENERALIZED, CARDIAC FORM; GSD II; POMPE DISEASE, INFANTILE-ONSET; GLYCOGEN STORAGE DISEASE II, INFANTILE-ONSET. Identifiers: Orphanet 365, MedGen C0017921, MONDO:0009290, OMIM 232300.

gnomAD v4.1: 2 of 1,611,088 alleles (0.00012%); highest among the groups gnomAD compares: South Asian, 0.0022%; no homozygotes.

Submission:

Genomenon, Inc
Classification: Uncertain significance for Glycogen storage disease, type II. Last evaluated: 2026-07-01. Review status: criteria provided, single submitter. Criteria: Genomenon Sequence Variant Interpretation Standards - Updated. Collection method: curation. Allele origin: germline. Affected: no.
Comment: GAA p.His201Tyr (c.601C>T) is a missense variant that changes the amino acid at codon 201 from Histidine to Tyrosine. This variant has been reported in the published literature (PMID:21963446). It is absent or not present at a significant frequency in gnomAD. In silico models predict that this variant is not damaging. In conclusion, we classify GAA p.His201Tyr (c.601C>T) as a variant of uncertain significance.

Literature cited by the submitters: PubMed 21963446.

NM_000152.5(GAA):c.601C>T (p.His201Tyr)

Gene: GAA (alpha glucosidase; plus strand). Cytogenetic location: 17q25.3.
Variant type: single nucleotide variant.
Coding change: c.601C>T on transcript NM_000152.5 (MANE Select); coding-DNA position 601, C replaced by T.
Protein change: p.His201Tyr; replaces histidine 201 with tyrosine.
Molecular consequence: missense variant.
Genome position (GRCh38, 1-based): chr17:80,105,803, C>T. VCF-style: chr17-80105803-C-T. GRCh37 (hg19) VCF-style: chr17-78079602-C-T.
Other names: c.601C>T, p.His201Tyr (NM_001079803.3, NM_001079804.3, NM_001406741.1 and 1 more transcripts); short protein forms H201Y.
Identifiers: ClinVar variation 4876544 (VCV004876544.1).
Genomic context (GRCh38, chr17:80,105,803, plus strand): 5'-TTCTAGATCAAAGATCCAGCTAACAGGCGCTACGAGGTGCCCTTGGAGACCCCGCATGTC[C>T]ACAGCCGGGCACCGTCCCCACTCTACAGCGTGGAGTTCTCCGAGGAGCCCTTCGGGGTGA-3'
Protein context (NP_000143.2, residues 191-211): YEVPLETPHV[His201Tyr]SRAPSPLYSV